The following is an entry in ClinVar:

NM_000346.4(SOX9):c.42G>A (p.Gln14=)

Genes: SOX9 (SRY-box transcription factor 9; plus strand), LOC108021846 (SOX9 promoter region; plus strand). Cytogenetic location: 17q24.3.
Variant type: single nucleotide variant.
Coding change: c.42G>A on transcript NM_000346.4 (MANE Select); coding-DNA position 42, G replaced by A.
Protein change: p.Gln14=; no amino-acid change (glutamine 14 retained).
Molecular consequence: synonymous variant.
Genome position (GRCh38, 1-based): chr17:72,121,433, G>A. VCF-style: chr17-72121433-G-A. GRCh37 (hg19) VCF-style: chr17-70117574-G-A.
Identifiers: ClinVar variation 536131 (VCV000536131.18), dbSNP rs769605571, ClinGen allele CA8738863.

ClinVar aggregate classification (germline): Benign/Likely benign. Review status: criteria provided, multiple submitters, no conflicts (2 of 4 stars). 3 submissions from 3 submitters: Benign (1); Likely benign (2). Last evaluated 2026-01-08.

Conditions:
Camptomelic dysplasia (CMPD). Also called: Campomelic Dysplasia; CMPD1/SRA1. Identifiers: Orphanet 140, MedGen C1861922, MONDO:0007251, OMIM 114290.
SOX9-related disorder. Also called: SOX9-related condition.

Allele frequency attached by ClinVar (database versions not stated): gnomAD exomes 0.00005 and 0.00016; ExAC 0.00006; gnomAD 0.00017 and 0.00021; TOPMed 0.00032.
gnomAD v4.1: 108 of 1,612,854 alleles (0.0067%); highest among the groups gnomAD compares: Admixed American, 0.13%; 2 homozygotes.

Submissions (3):

Labcorp Genetics (formerly Invitae), Labcorp
Classification: Benign for Camptomelic dysplasia. Last evaluated: 2026-01-08. Review status: criteria provided, single submitter. Criteria: Invitae Variant Classification Sherloc (09022015). Collection method: clinical testing. Allele origin: germline.

CeGaT Center for Human Genetics Tuebingen
Classification: Likely benign. Last evaluated: 2025-12-01. Review status: criteria provided, single submitter. Criteria: CeGaT Center For Human Genetics Tuebingen Variant Classification Criteria Version 2. Collection method: clinical testing. Allele origin: germline. Affected: yes. Observed: 1 variant allele.
Comment: SOX9: BP4, BP7, BS1

PreventionGenetics, part of Exact Sciences
Classification: Likely benign for SOX9-related condition. Last evaluated: 2024-12-21. Review status: criteria provided, single submitter. Criteria: ACMG Guidelines, 2015. Collection method: clinical testing. Allele origin: germline.
Comment: This variant is classified as likely benign based on ACMG/AMP sequence variant interpretation guidelines (Richards et al. 2015 PMID: 25741868, with internal and published modifications).